The following is an entry in ClinVar:

NM_000321.3(RB1):c.504A>G (p.Thr168=)

Gene: RB1 (RB transcriptional corepressor 1; plus strand). Cytogenetic location: 13q14.2.
Variant type: single nucleotide variant.
Coding change: c.504A>G on transcript NM_000321.3 (MANE Select); coding-DNA position 504, A replaced by G.
Protein change: p.Thr168=; no amino-acid change (threonine 168 retained).
Molecular consequence: synonymous variant.
Genome position (GRCh38, 1-based): chr13:48,347,828, A>G. VCF-style: chr13-48347828-A-G. GRCh37 (hg19) VCF-style: chr13-48921964-A-G.
Other names: c.504A>G, p.Thr168= (NM_001407165.1, NM_001407166.1).
Identifiers: ClinVar variation 3075641 (VCV003075641.4), dbSNP rs747542367, ClinGen allele CA038451.

ClinVar aggregate classification (germline): Likely benign. Review status: criteria provided, multiple submitters, no conflicts (2 of 4 stars). 4 submissions from 4 submitters: Likely benign (4). Last evaluated 2025-12-12.

Conditions:
Hereditary cancer-predisposing syndrome. Also called: Neoplastic Syndromes, Hereditary; Tumor predisposition; Hereditary Cancer Syndrome; Hereditary neoplastic syndrome. Identifiers: Orphanet 140162, MedGen C0027672, MeSH D009386, MONDO:0015356.
Retinoblastoma (RB1). Also called: RETINOBLASTOMA, SOMATIC. Identifiers: Orphanet 790, MedGen C0035335, MeSH D012175, MONDO:0008380, OMIM 180200, HP:0009919. Disease mechanism: loss of function. Inheritance: Both sporadic and heritable forms are tested..

gnomAD v4.1: 2 of 1,589,452 alleles (0.00013%); highest among the groups gnomAD compares: Admixed American, 0.0034%; no homozygotes.

Submissions (4):

Labcorp Genetics (formerly Invitae), Labcorp
Classification: Likely benign for Retinoblastoma. Last evaluated: 2025-12-12. Review status: criteria provided, single submitter. Criteria: Invitae Variant Classification Sherloc (09022015). Collection method: clinical testing. Allele origin: germline.

Ambry Genetics
Classification: Likely benign for Hereditary cancer-predisposing syndrome. Last evaluated: 2024-05-10. Review status: criteria provided, single submitter. Criteria: Ambry Variant Classification Scheme 2023. Collection method: clinical testing. Allele origin: germline.

All of Us Research Program, National Institutes of Health
Classification: Likely benign for Retinoblastoma. Last evaluated: 2023-03-09. Review status: criteria provided, single submitter. Criteria: ACMG Guidelines, 2015. Collection method: clinical testing. Allele origin: germline. Inheritance: Autosomal dominant inheritance. Observed: 1 variant allele, 1 heterozygote.
Comment: This study involves interpretation of variants in research participants for the purpose of population health screening. Participant phenotype was not available at the time of variant classification. Additional details can be found in publication PMID: 35346344, PMCID: PMC8962531

Blueprint Genetics
Classification: Likely benign. Last evaluated: 2022-11-18. Review status: criteria provided, single submitter. Criteria: ACMG Guidelines, 2015. Collection method: clinical testing. Allele origin: germline.